The following is an entry in ClinVar:

NM_002454.3(MTRR):c.780+20T>C

Gene: MTRR (5-methyltetrahydrofolate-homocysteine methyltransferase reductase; plus strand). Cytogenetic location: 5p15.31.
Variant type: single nucleotide variant.
Coding change: c.780+20T>C on transcript NM_002454.3 (MANE Select); 20 bases into the intron after coding-DNA position 780, T replaced by C.
Molecular consequence: intron variant.
Genome position (GRCh38, 1-based): chr5:7,878,342, T>C. VCF-style: chr5-7878342-T-C. GRCh37 (hg19) VCF-style: chr5-7878455-T-C.
Other names: c.780+20T>C (NM_001364440.2, NM_001364441.2, NM_001364442.2 and 1 more transcripts).
Identifiers: ClinVar variation 387063 (VCV000387063.9), dbSNP rs563392085, ClinGen allele CA3195690.

ClinVar aggregate classification (germline): Benign/Likely benign. Review status: criteria provided, multiple submitters, no conflicts (2 of 4 stars). 2 submissions from 2 submitters: Benign (1); Likely benign (1). Last evaluated 2026-02-01.

Conditions:
Methylcobalamin deficiency type cblE (HMAE). Also called: HOMOCYSTINURIA-MEGALOBLASTIC ANEMIA, cblE COMPLEMENTATION TYPE; HOMOCYSTINURIA-MEGALOBLASTIC ANEMIA, cblE TYPE; VITAMIN B12-RESPONSIVE HOMOCYSTINURIA, cblE TYPE. Identifiers: Orphanet 2169, Orphanet 622, MedGen C1856057, MONDO:0009354, OMIM 236270.

Allele frequency attached by ClinVar (database versions not stated): gnomAD exomes 0.00024 and 0.00043; ExAC 0.00050; 1000 Genomes Project 30x 0.00141; 1000 Genomes Project 0.00180; gnomAD 0.00001 and 0.00015; TOPMed 0.00002.
gnomAD v4.1: 381 of 1,611,832 alleles (0.024%); highest among the groups gnomAD compares: South Asian, 0.38%; 2 homozygotes.

Submissions (2):

Labcorp Genetics (formerly Invitae), Labcorp
Classification: Benign for Methylcobalamin deficiency type cblE. Last evaluated: 2026-02-01. Review status: criteria provided, single submitter. Criteria: Invitae Variant Classification Sherloc (09022015). Collection method: clinical testing. Allele origin: germline.

GeneDx
Classification: Likely benign. Last evaluated: 2016-07-06. Review status: criteria provided, single submitter. Criteria: GeneDx Variant Classification (06012015). Collection method: clinical testing. Allele origin: germline. Affected: yes.
Comment: This variant is considered likely benign or benign based on one or more of the following criteria: it is a conservative change, it occurs at a poorly conserved position in the protein, it is predicted to be benign by multiple in silico algorithms, and/or has population frequency not consistent with disease.